The following is an entry in ClinVar:

ClinVar aggregate classification (germline): Pathogenic (1 of 4 stars; one submission).

Conditions:
Cohen syndrome (COH1). Also called: PEPPER SYNDROME; Cutis verticis gyrata, retinitis pigmentosa, and sensorineural deafness. Identifiers: Orphanet 193, MedGen C0265223, MONDO:0008999, OMIM 216550.

Submission:

Labcorp Genetics (formerly Invitae), Labcorp
Classification: Pathogenic for Cohen syndrome. Last evaluated: 2024-02-13. Review status: criteria provided, single submitter. Criteria: Invitae Variant Classification Sherloc (09022015). Collection method: clinical testing. Allele origin: germline.
Comment: This sequence change creates a premature translational stop signal (p.Asp2093Valfs*52) in the VPS13B gene. It is expected to result in an absent or disrupted protein product. Loss-of-function variants in VPS13B are known to be pathogenic (PMID: 15141358, 16648375, 20461111). This variant is not present in population databases (gnomAD no frequency). This variant has not been reported in the literature in individuals affected with VPS13B-related conditions. Algorithms developed to predict the effect of sequence changes on RNA splicing suggest that this variant may create or strengthen a splice site. For these reasons, this variant has been classified as Pathogenic.

Literature cited by the submitters: PubMed 15141358; PubMed 16648375; PubMed 20461111.

NM_152564.5(VPS13B):c.6198_6202dup (p.Asp2068fs)

Gene: VPS13B (vacuolar protein sorting 13 homolog B; plus strand). Cytogenetic location: 8q22.2.
Variant type: Duplication.
Coding change: c.6198_6202dup on transcript NM_152564.5 (MANE Select); coding-DNA positions 6198 to 6202, 5 bases duplicated (TAAGG; older notation c.6198_6202dupTAAGG).
Protein change: p.Asp2068fs; shifts the reading frame from aspartic acid 2068.
Molecular consequence: frameshift variant.
Genome position (GRCh38, 1-based): chr8:99,699,676-99,699,680, TAAGG duplicated. VCF-style (leftmost placement, unchanged base first): chr8-99699675-A-ATAAGG. GRCh37 (hg19) VCF-style: chr8-100711903-A-ATAAGG.
Other names: c.6273_6277dup, p.Asp2093fs (NM_017890.5); short protein forms D2068fs, D2093fs.
Identifiers: ClinVar variation 3640448 (VCV003640448.2).
Genomic context (GRCh38, chr8:99,699,675, plus strand): 5'-AAAATGCACACAGTTTGGCACATAGTGAAGAGACTTCAGCCATGTCCAACACCATGGTGA[A>ATAAGG]TAAGGATGATCTTCCAGTCTCCAAATATTACCGTGGAAAGTTGTCTAAACCCAAAATTCA-3'